The following is an entry in ClinVar:

ClinVar aggregate classification (germline): Uncertain significance. Review status: criteria provided, single submitter (1 of 4 stars). 3 submissions from 3 submitters: Uncertain significance (1). 2 of the submissions do not count toward it. Last evaluated 2021-12-02.

Conditions:
Alexander disease (ALXDRD). Also called: Alexander's disease. Identifiers: Orphanet 58, MedGen C0270726, MONDO:0008752, OMIM 203450.

Submissions (3):

Labcorp Genetics (formerly Invitae), Labcorp
Classification: Uncertain significance. Last evaluated: 2021-12-02. Review status: criteria provided, single submitter. Criteria: Invitae Variant Classification Sherloc (09022015). Collection method: clinical testing. Allele origin: germline.
Comment: This sequence change replaces threonine, which is neutral and polar, with isoleucine, which is neutral and non-polar, at codon 383 of the GFAP protein (p.Thr383Ile). This variant is not present in population databases (gnomAD no frequency). This missense change has been observed in individuals with Alexander disease (PMID: 21165639; Invitae). ClinVar contains an entry for this variant (Variation ID: 66447). Algorithms developed to predict the effect of missense changes on protein structure and function are either unavailable or do not agree on the potential impact of this missense change (SIFT: "Deleterious"; PolyPhen-2: "Possibly Damaging"; Align-GVGD: "Class C0"). In summary, the available evidence is currently insufficient to determine the role of this variant in disease. Therefore, it has been classified as a Variant of Uncertain Significance.

Epithelial Biology;  Institute of Medical Biology, Singapore
No classification provided. Review status: no classification provided. Collection method: not provided. Allele origin: not provided. Not counted in ClinVar's aggregate classification.

GeneReviews
No classification provided. Condition: Alexander disease. Review status: no classification provided. Collection method: literature only. Allele origin: germline. Affected: yes. Not counted in ClinVar's aggregate classification.

Literature cited by the submitters: PubMed 21165639 (cited by Labcorp Genetics (formerly Invitae), Labcorp and GeneReviews); NCBI Bookshelf NBK1172 (cited by GeneReviews).

NM_002055.5(GFAP):c.1148C>T (p.Thr383Ile)

Gene: GFAP (glial fibrillary acidic protein; minus strand). Cytogenetic location: 17q21.31.
Variant type: single nucleotide variant.
Coding change: c.1148C>T on transcript NM_002055.5 (MANE Select); coding-DNA position 1148, C replaced by T.
Protein change: p.Thr383Ile; replaces threonine 383 with isoleucine.
Molecular consequence: missense variant.
Genome position (GRCh38, 1-based): chr17:44,910,638, G>A on the plus strand (C>T on the coding strand, the complement: GFAP is on the minus strand). VCF-style: chr17-44910638-G-A. GRCh37 (hg19) VCF-style: chr17-42988006-G-A.
Other names: c.1148C>T, p.Thr383Ile (NM_001131019.3, NM_001242376.3, NM_001363846.2); short protein forms T383I.
Identifiers: ClinVar variation 66447 (VCV000066447.10), dbSNP rs267607517, ClinGen allele CA217128.